The following is an entry in ClinVar:

NM_001035.3(RYR2):c.6967T>G (p.Leu2323Val)

Gene: RYR2 (ryanodine receptor 2; plus strand). Cytogenetic location: 1q43.
Variant type: single nucleotide variant.
Coding change: c.6967T>G on transcript NM_001035.3 (MANE Select); coding-DNA position 6967, T replaced by G.
Protein change: p.Leu2323Val; replaces leucine 2323 with valine.
Molecular consequence: missense variant.
Genome position (GRCh38, 1-based): chr1:237,639,053, T>G. VCF-style: chr1-237639053-T-G. GRCh37 (hg19) VCF-style: chr1-237802353-T-G.
Other names: short protein forms L2323V.
Identifiers: ClinVar variation 2135783 (VCV002135783.4), dbSNP rs2546964021, ClinGen allele CA345395809.
Genomic context (GRCh38, chr1:237,639,053, plus strand): 5'-TATCTTCCCCATTCTACTTTAGGGGAGAGTGTGGAGGAAAATGCAAATGTCGTGGTGAGA[T>G]TGCTCATTCGGAGGCCTGAGTGTTTTGGTCCTGCTTTGAGAGGAGAAGGTGGGAATGGGC-3'
Protein context (NP_001026.2, residues 2313-2333): VEENANVVVR[Leu2323Val]LIRRPECFGP

ClinVar aggregate classification (germline): Uncertain significance (1 of 4 stars; one submission).

Conditions:
Catecholaminergic polymorphic ventricular tachycardia 1. Also called: VENTRICULAR TACHYCARDIA, STRESS-INDUCED POLYMORPHIC 1; VENTRICULAR TACHYCARDIA, CATECHOLAMINERGIC POLYMORPHIC, 1, WITH OR WITHOUT ATRIAL DYSFUNCTION AND/OR DILATED CARDIOMYOPATHY; RYR2-Related Catecholaminergic Polymorphic Ventricular Tachycardia. Identifiers: Orphanet 3286, MedGen C1631597, MONDO:0011484, OMIM 604772.

Submission:

Labcorp Genetics (formerly Invitae), Labcorp
Classification: Uncertain significance for Catecholaminergic polymorphic ventricular tachycardia 1. Last evaluated: 2022-05-09. Review status: criteria provided, single submitter. Criteria: Invitae Variant Classification Sherloc (09022015). Collection method: clinical testing. Allele origin: germline.
Comment: This sequence change replaces leucine, which is neutral and non-polar, with valine, which is neutral and non-polar, at codon 2323 of the RYR2 protein (p.Leu2323Val). In summary, the available evidence is currently insufficient to determine the role of this variant in disease. Therefore, it has been classified as a Variant of Uncertain Significance. Advanced modeling of protein sequence and biophysical properties (such as structural, functional, and spatial information, amino acid conservation, physicochemical variation, residue mobility, and thermodynamic stability) performed at Invitae indicates that this missense variant is expected to disrupt RYR2 protein function. This variant has not been reported in the literature in individuals affected with RYR2-related conditions. This variant is not present in population databases (gnomAD no frequency).